The following is an entry in ClinVar:

NM_145728.3(SYNM):c.2701G>A (p.Asp901Asn)

Gene: SYNM (synemin; plus strand). Cytogenetic location: 15q26.3.
Variant type: single nucleotide variant.
Coding change: c.2701G>A on transcript NM_145728.3 (MANE Select); coding-DNA position 2701, G replaced by A.
Protein change: p.Asp901Asn; replaces aspartic acid 901 with asparagine.
Molecular consequence: missense variant.
Genome position (GRCh38, 1-based): chr15:99,131,061, G>A. VCF-style: chr15-99131061-G-A. GRCh37 (hg19) VCF-style: chr15-99671266-G-A.
Other names: c.2701G>A, p.Asp901Asn (NM_015286.6); short protein forms D901N.
Identifiers: ClinVar variation 769414 (VCV000769414.29), dbSNP rs192270232, ClinGen allele CA7753804.

ClinVar aggregate classification (germline): Likely benign. Review status: criteria provided, multiple submitters, no conflicts (2 of 4 stars). 3 submissions from 3 submitters: Likely benign (3). Last evaluated 2023-03-01.

Allele frequency attached by ClinVar (database versions not stated): 1000 Genomes Project 0.00080; 1000 Genomes Project 30x 0.00109; TOPMed 0.00396; ESP Exome Variant Server 0.00426.
gnomAD v4.1: 7,584 of 1,606,708 alleles (0.47%); highest among the groups gnomAD compares: Non-Finnish European, 0.57%; 35 homozygotes.

Submissions (3):

CeGaT Center for Human Genetics Tuebingen
Classification: Likely benign. Last evaluated: 2023-03-01. Review status: criteria provided, single submitter. Criteria: CeGaT Center For Human Genetics Tuebingen Variant Classification Criteria Version 2. Collection method: clinical testing. Allele origin: germline. Affected: yes. Observed: 1 variant allele.
Comment: SYNM: BP4, BS2

Labcorp Genetics (formerly Invitae), Labcorp
Classification: Likely benign. Last evaluated: 2019-12-31. Review status: criteria provided, single submitter. Criteria: Invitae Variant Classification Sherloc (09022015). Collection method: clinical testing. Allele origin: germline.

Breakthrough Genomics
Classification: Likely benign. Review status: criteria provided, single submitter. Criteria: ACMG Guidelines, 2015. Collection method: not provided. Allele origin: germline. Inheritance: Unknown mechanism. Affected: yes.